The following is an entry in ClinVar:

ClinVar aggregate classification (germline): Likely pathogenic (1 of 4 stars; one submission).

Submission:

GeneDx
Classification: Likely pathogenic. Last evaluated: 2024-05-07. Review status: criteria provided, single submitter. Criteria: GeneDx Variant Classification Process June 2021. Collection method: clinical testing. Allele origin: germline. Affected: yes.
Comment: Has not been previously published as pathogenic or benign to our knowledge; Not observed at significant frequency in large population cohorts (gnomAD); Frameshift variant predicted to result in protein truncation or nonsense mediated decay in a gene for which loss of function is a known mechanism of disease

NM_000089.4(COL1A2):c.3765del (p.Phe1256fs)

Gene: COL1A2 (collagen type I alpha 2 chain; plus strand). Cytogenetic location: 7q21.3.
Variant type: Deletion.
Coding change: c.3765del on transcript NM_000089.4 (MANE Select); coding-DNA position 3765, one base deleted (C; older notation c.3765delC).
Protein change: p.Phe1256fs; shifts the reading frame from phenylalanine 1256.
Molecular consequence: frameshift variant.
Genome position (GRCh38, 1-based): chr7:94,429,241, C deleted; the last of 2 consecutive C bases (chr7:94,429,240-94,429,241); deleting either gives the same sequence. VCF-style (leftmost placement, unchanged base first): chr7-94429239-GC-G. GRCh37 (hg19) VCF-style: chr7-94058551-GC-G.
Other names: c.3765delC (NM_000089.3); c.3765del (NM_000089.3); short protein forms F1256fs.
Identifiers: ClinVar variation 817812 (VCV000817812.2), dbSNP rs1584332692, ClinGen allele CA915945360.
Genomic context (GRCh38, chr7:94,429,239, plus strand): 5'-TTTCTGTAGTTTGAATATAATGTAGAAGGAGTGACTTCCAAGGAAATGGCTACCCAACTT[GC>G]CTTCATGCGCCTGCTGGCCAACTATGCCTCTCAGAACATCACCTACCACTGCAAGAACAG-3'